The following is an entry in ClinVar:

ClinVar aggregate classification (germline): Likely benign. Review status: criteria provided, multiple submitters, no conflicts (2 of 4 stars). 2 submissions from 2 submitters: Likely benign (2). Last evaluated 2023-09-05.

Allele frequency attached by ClinVar (database versions not stated): gnomAD exomes below 0.00001 and 0.00001; gnomAD 0.00002; TOPMed 0.00002.
gnomAD v4.1: 19 of 1,576,888 alleles (0.0012%); highest among the groups gnomAD compares: Non-Finnish European, 0.0015%; no homozygotes.

Submissions (2):

Labcorp Genetics (formerly Invitae), Labcorp
Classification: Likely benign. Last evaluated: 2023-09-05. Review status: criteria provided, single submitter. Criteria: Invitae Variant Classification Sherloc (09022015). Collection method: clinical testing. Allele origin: germline.

GeneDx
Classification: Likely benign. Last evaluated: 2017-07-10. Review status: criteria provided, single submitter. Criteria: GeneDx Variant Classification (06012015). Collection method: clinical testing. Allele origin: germline. Affected: yes.
Comment: This variant is considered likely benign or benign based on one or more of the following criteria: it is a conservative change, it occurs at a poorly conserved position in the protein, it is predicted to be benign by multiple in silico algorithms, and/or has population frequency not consistent with disease.

NM_033109.5(PNPT1):c.1284+10A>C

Gene: PNPT1 (polyribonucleotide nucleotidyltransferase 1; minus strand). Cytogenetic location: 2p16.1.
Variant type: single nucleotide variant.
Coding change: c.1284+10A>C on transcript NM_033109.5 (MANE Select); 10 bases into the intron after coding-DNA position 1284, A replaced by C.
Molecular consequence: intron variant.
Genome position (GRCh38, 1-based): chr2:55,660,147, T>G on the plus strand (A>C on the coding strand, the complement: PNPT1 is on the minus strand). VCF-style: chr2-55660147-T-G. GRCh37 (hg19) VCF-style: chr2-55887282-T-G.
Identifiers: ClinVar variation 517829 (VCV000517829.5), dbSNP rs780025637, ClinGen allele CA47656742.